The following is an entry in ClinVar:

ClinVar aggregate classification (germline): Uncertain significance. Review status: criteria provided, multiple submitters, no conflicts (2 of 4 stars). 5 submissions from 5 submitters: Uncertain significance (5). Last evaluated 2025-02-12.

Conditions:
Inborn genetic diseases. Identifiers: MedGen C0950123, MeSH D030342.
NBAS-related disorder. Also called: NBAS-related condition.
Neurodevelopmental disorder. Identifiers: MedGen C1535926, MeSH D065886, MONDO:0700092.

Allele frequency attached by ClinVar (database versions not stated): gnomAD 0.00001 and 0.00002; TOPMed 0.00002; gnomAD exomes 0.00003 and 0.00004; ExAC 0.00004.

Submissions (5):

PreventionGenetics, part of Exact Sciences
Classification: Uncertain significance for NBAS-related condition. Last evaluated: 2025-02-12. Review status: criteria provided, single submitter. Criteria: ACMG Guidelines, 2015. Collection method: clinical testing. Allele origin: germline.
Comment: The NBAS c.2290C>T variant is predicted to result in the amino acid substitution p.Pro764Ser. To our knowledge, this variant has not been reported in the literature. This variant is reported in 0.058% of alleles in individuals of Ashkenazi Jewish descent in gnomAD. Although we suspect that this variant may be benign, at this time, the clinical significance of this variant is uncertain due to the absence of conclusive functional and genetic evidence.

GeneDx
Classification: Uncertain significance. Last evaluated: 2024-12-30. Review status: criteria provided, single submitter. Criteria: GeneDx Variant Classification Process June 2021. Collection method: clinical testing. Allele origin: germline. Affected: yes.
Comment: In silico analysis supports that this missense variant has a deleterious effect on protein structure/function; Has not been previously published as pathogenic or benign to our knowledge

Ambry Genetics
Classification: Uncertain significance for Inborn genetic diseases. Last evaluated: 2024-06-03. Review status: criteria provided, single submitter. Criteria: Ambry Variant Classification Scheme 2023. Collection method: clinical testing. Allele origin: germline.

Laboratory of Molecular Genetics (Pr. Bezieau's lab), CHU de Nantes
Classification: Uncertain significance for Neurodevelopmental disorder. Last evaluated: 2023-01-10. Review status: criteria provided, single submitter. Criteria: ACMG Guidelines, 2015. Collection method: clinical testing. Allele origin: germline. Affected: yes.

Labcorp Genetics (formerly Invitae), Labcorp
Classification: Uncertain significance. Last evaluated: 2022-10-26. Review status: criteria provided, single submitter. Criteria: Invitae Variant Classification Sherloc (09022015). Collection method: clinical testing. Allele origin: germline.
Comment: This sequence change replaces proline, which is neutral and non-polar, with serine, which is neutral and polar, at codon 764 of the NBAS protein (p.Pro764Ser). This variant is present in population databases (rs200532922, gnomAD 0.06%). This variant has not been reported in the literature in individuals affected with NBAS-related conditions. ClinVar contains an entry for this variant (Variation ID: 1436957). Advanced modeling of protein sequence and biophysical properties (such as structural, functional, and spatial information, amino acid conservation, physicochemical variation, residue mobility, and thermodynamic stability) performed at Invitae indicates that this missense variant is not expected to disrupt NBAS protein function. In summary, the available evidence is currently insufficient to determine the role of this variant in disease. Therefore, it has been classified as a Variant of Uncertain Significance.

NM_015909.4(NBAS):c.2290C>T (p.Pro764Ser)

Gene: NBAS (NBAS subunit of NRZ tethering complex; minus strand). Cytogenetic location: 2p24.3.
Variant type: single nucleotide variant.
Coding change: c.2290C>T on transcript NM_015909.4 (MANE Select); coding-DNA position 2290, C replaced by T.
Protein change: p.Pro764Ser; replaces proline 764 with serine.
Molecular consequence: missense variant. On other transcripts: non-coding transcript variant (1).
Genome position (GRCh38, 1-based): chr2:15,461,250, G>A on the plus strand (C>T on the coding strand, the complement: NBAS is on the minus strand). VCF-style: chr2-15461250-G-A. GRCh37 (hg19) VCF-style: chr2-15601374-G-A.
Other names: c.2290C>T (NM_015909.2, NM_015909.3); short protein forms P764S.
Identifiers: ClinVar variation 1436957 (VCV001436957.6), dbSNP rs200532922, ClinGen allele CA1536408.